The following is an entry in ClinVar:

NM_001184880.2(PCDH19):c.380C>T (p.Pro127Leu)

Gene: PCDH19 (protocadherin 19; minus strand). Cytogenetic location: Xq22.1.
Variant type: single nucleotide variant.
Coding change: c.380C>T on transcript NM_001184880.2 (MANE Select); coding-DNA position 380, C replaced by T.
Protein change: p.Pro127Leu; replaces proline 127 with leucine.
Molecular consequence: missense variant.
Genome position (GRCh38, 1-based): chrX:100,408,218, G>A on the plus strand (C>T on the coding strand, the complement: PCDH19 is on the minus strand). VCF-style: chrX-100408218-G-A. GRCh37 (hg19) VCF-style: chrX-99663216-G-A.
Other names: c.380C>T, p.Pro127Leu (NM_001105243.2, NM_020766.3); short protein forms P127L.
Identifiers: ClinVar variation 1480511 (VCV001480511.6), dbSNP rs2147542030, ClinGen allele CA414010191.
Genomic context (GRCh38, chrX:100,408,218, plus strand): 5'-CGCGTGCCAGGGCTGGCTGCCTCCGAGATCTCCAGCTCGATCTGTGCTGCCGGGAAACTG[G>A]GCGCATTGTCGTTCAGGTCCTTGATCTCCACCTTTATCACGCAGATTTCCATTGAGCTGG-3'
Protein context (NP_001171809.1, residues 117-137): VEIKDLNDNA[Pro127Leu]SFPAAQIELE

ClinVar aggregate classification (germline): Uncertain significance (1 of 4 stars; one submission).

Conditions:
Developmental and epileptic encephalopathy, 9 (DEE9). Also called: Early infantile epileptic encephalopathy 9; PCDH19-Related X-Linked Female-Limited Epilepsy with Mental Retardation; EPILEPSY, FEMALE-RESTRICTED, WITH MENTAL RETARDATION; JUBERG-HELLMAN SYNDROME. Identifiers: Orphanet 101039, Orphanet 2076, MedGen C1848137, MONDO:0010246, OMIM 300088. Disease mechanism: loss of function.

Submission:

Labcorp Genetics (formerly Invitae), Labcorp
Classification: Uncertain significance for Developmental and epileptic encephalopathy, 9. Last evaluated: 2022-10-01. Review status: criteria provided, single submitter. Criteria: Invitae Variant Classification Sherloc (09022015). Collection method: clinical testing. Allele origin: germline.
Comment: In summary, the available evidence is currently insufficient to determine the role of this variant in disease. Therefore, it has been classified as a Variant of Uncertain Significance. Advanced modeling of protein sequence and biophysical properties (such as structural, functional, and spatial information, amino acid conservation, physicochemical variation, residue mobility, and thermodynamic stability) performed at Invitae indicates that this missense variant is expected to disrupt PCDH19 protein function. ClinVar contains an entry for this variant (Variation ID: 1480511). This missense change has been observed in individual(s) with clinical features of PCDH19-related conditions (Invitae). This variant is not present in population databases (gnomAD no frequency). This sequence change replaces proline, which is neutral and non-polar, with leucine, which is neutral and non-polar, at codon 127 of the PCDH19 protein (p.Pro127Leu).